The following is an entry in ClinVar:

ClinVar aggregate classification (germline): Uncertain significance (1 of 4 stars; one submission).

Conditions:
Familial thoracic aortic aneurysm and aortic dissection (TAAD). Also called: Thoracic aortic aneurysms and dissections. Identifiers: Orphanet 91387, MedGen C4707243, MONDO:0019625.

Submission:

Ambry Genetics
Classification: Uncertain significance for Familial thoracic aortic aneurysm and aortic dissection. Last evaluated: 2022-01-26. Review status: criteria provided, single submitter. Criteria: Ambry Variant Classification Scheme 2023. Collection method: clinical testing. Allele origin: germline.
Comment: The p.N1107K variant (also known as c.3321C>G), located in coding exon 25 of the MYH11 gene, results from a C to G substitution at nucleotide position 3321. The asparagine at codon 1107 is replaced by lysine, an amino acid with similar properties. This amino acid position is conserved. In addition, this alteration is predicted to be tolerated by in silico analysis. Since supporting evidence is limited at this time, the clinical significance of this alteration remains unclear.

NM_002474.3(MYH11):c.3321C>G (p.Asn1107Lys)

Gene: MYH11 (myosin heavy chain 11; minus strand). Cytogenetic location: 16p13.11.
Variant type: single nucleotide variant.
Coding change: c.3321C>G on transcript NM_002474.3 (MANE Select); coding-DNA position 3321, C replaced by G.
Protein change: p.Asn1107Lys; replaces asparagine 1107 with lysine.
Molecular consequence: missense variant.
Genome position (GRCh38, 1-based): chr16:15,735,551, G>C on the plus strand (C>G on the coding strand, the complement: MYH11 is on the minus strand). VCF-style: chr16-15735551-G-C. GRCh37 (hg19) VCF-style: chr16-15829408-G-C.
Other names: c.3342C>G, p.Asn1114Lys (NM_001040113.2, NM_001040114.2); c.3321C>G, p.Asn1107Lys (NM_022844.3); short protein forms N1107K, N1114K.
Identifiers: ClinVar variation 1730202 (VCV001730202.2), dbSNP rs2506177639, ClinGen allele CA394862124.